The following is an entry in ClinVar:

ClinVar aggregate classification (germline): Likely benign (1 of 4 stars; one submission).

Allele frequency attached by ClinVar (database versions not stated): gnomAD 0.00003; ExAC 0.00004; gnomAD exomes 0.00004; TOPMed 0.00004; ESP Exome Variant Server 0.00008.
gnomAD v4.1: 64 of 1,603,482 alleles (0.004%); highest among the groups gnomAD compares: Middle Eastern, 0.016%; no homozygotes.

Submission:

CeGaT Center for Human Genetics Tuebingen
Classification: Likely benign. Last evaluated: 2022-10-01. Review status: criteria provided, single submitter. Criteria: CeGaT Center For Human Genetics Tuebingen Variant Classification Criteria Version 2. Collection method: clinical testing. Allele origin: germline. Affected: yes. Observed: 1 variant allele.
Comment: SPATC1: BP4, BP7

NM_198572.3(SPATC1):c.1650C>T (p.Thr550=)

Gene: SPATC1 (spermatogenesis and centriole associated 1; plus strand). Cytogenetic location: 8q24.3.
Variant type: single nucleotide variant.
Coding change: c.1650C>T on transcript NM_198572.3 (MANE Select); coding-DNA position 1650, C replaced by T.
Protein change: p.Thr550=; no amino-acid change (threonine 550 retained).
Molecular consequence: synonymous variant. On other transcripts: 3 prime UTR variant (1).
Genome position (GRCh38, 1-based): chr8:144,046,830, C>T. VCF-style: chr8-144046830-C-T. GRCh37 (hg19) VCF-style: chr8-145101731-C-T.
Other names: c.*184C>T (NM_001134374.2).
Identifiers: ClinVar variation 2658963 (VCV002658963.24), dbSNP rs143371886, ClinGen allele CA4930900.